The following is an entry in ClinVar:

NM_000760.4(CSF3R):c.698G>A (p.Arg233Gln)

Gene: CSF3R (colony stimulating factor 3 receptor; minus strand). Cytogenetic location: 1p34.3.
Variant type: single nucleotide variant.
Coding change: c.698G>A on transcript NM_000760.4 (MANE Select); coding-DNA position 698, G replaced by A.
Protein change: p.Arg233Gln; replaces arginine 233 with glutamine.
Molecular consequence: missense variant.
Genome position (GRCh38, 1-based): chr1:36,472,662, C>T on the plus strand (G>A on the coding strand, the complement: CSF3R is on the minus strand). VCF-style: chr1-36472662-C-T. GRCh37 (hg19) VCF-style: chr1-36938263-C-T.
Other names: c.698G>A, p.Arg233Gln (LRG_144t1, NM_156039.3, NM_172313.3); short protein forms R233Q.
Identifiers: ClinVar variation 660379 (VCV000660379.10), dbSNP rs138558210, ClinGen allele CA769402.
Genomic context (GRCh38, chr1:36,472,662, plus strand): 5'-CAGCACAGCTGTAGGCAGCCTGCCTGGGGAGGGGCCGCTTCAGGGCTGGGGTCCATGGTC[C>T]GCAGCATGGGGGGCTCCAGTTTCACTGCAAGGAGTGGGGCTGTCAGAAGGTCTCCCTATC-3'
Protein context (NP_000751.1, residues 223-243): DVVKLEPPML[Arg233Gln]TMDPSPEAAP

ClinVar aggregate classification (germline): Uncertain significance. Review status: criteria provided, multiple submitters, no conflicts (2 of 4 stars). 3 submissions from 3 submitters: Uncertain significance (3). Last evaluated 2026-08-07.

Conditions:
Autosomal recessive severe congenital neutropenia due to CSF3R deficiency. Also called: Neutropenia, severe congenital, 7, autosomal recessive. Identifiers: Orphanet 420702, MedGen C4310764, MONDO:0014865, OMIM 617014.
CSF3R-related disorder. Also called: CSF3R-related condition.
Inborn genetic diseases. Identifiers: MedGen C0950123, MeSH D030342.

Allele frequency attached by ClinVar (database versions not stated): gnomAD exomes 0.00001; gnomAD 0.00002 and 0.00003; ExAC 0.00003; TOPMed 0.00003; ESP Exome Variant Server 0.00015.
gnomAD v4.1: 23 of 1,605,646 alleles (0.0014%); highest among the groups gnomAD compares: African/African-American, 0.004%; no homozygotes.

Submissions (3):

PreventionGenetics, part of Exact Sciences
Classification: Uncertain significance for CSF3R-related condition. Last evaluated: 2026-08-07. Review status: criteria provided, single submitter. Criteria: ACMG Guidelines, 2015. Collection method: clinical testing. Allele origin: germline.
Comment: The CSF3R c.698G>A variant is predicted to result in the amino acid substitution p.Arg233Gln. To our knowledge, this variant has not been reported in the literature. This variant is reported in 0.0069% of alleles in individuals of African descent in gnomAD. At this time, the clinical significance of this variant is uncertain due to the absence of conclusive functional and genetic evidence.

Labcorp Genetics (formerly Invitae), Labcorp
Classification: Uncertain significance for Autosomal recessive severe congenital neutropenia due to CSF3R deficiency. Last evaluated: 2025-10-29. Review status: criteria provided, single submitter. Criteria: Invitae Variant Classification Sherloc (09022015). Collection method: clinical testing. Allele origin: germline.
Comment: This sequence change replaces arginine, which is basic and polar, with glutamine, which is neutral and polar, at codon 233 of the CSF3R protein (p.Arg233Gln). The frequency data for this variant in the population databases is considered unreliable, as metrics indicate poor data quality at this position in the gnomAD database. This variant has not been reported in the literature in individuals affected with CSF3R-related conditions. ClinVar contains an entry for this variant (Variation ID: 660379). Invitae Evidence Modeling of protein sequence and biophysical properties (such as structural, functional, and spatial information, amino acid conservation, physicochemical variation, residue mobility, and thermodynamic stability) indicates that this missense variant is not expected to disrupt CSF3R protein function with a negative predictive value of 80%. In summary, the available evidence is currently insufficient to determine the role of this variant in disease. Therefore, it has been classified as a Variant of Uncertain Significance.

Ambry Genetics
Classification: Uncertain significance for Inborn genetic diseases. Last evaluated: 2024-12-10. Review status: criteria provided, single submitter. Criteria: Ambry Variant Classification Scheme 2023. Collection method: clinical testing. Allele origin: germline.